The following is an entry in ClinVar:

NM_006231.4(POLE):c.3721G>T (p.Glu1241Ter)

Gene: POLE (DNA polymerase epsilon, catalytic subunit; minus strand). Cytogenetic location: 12q24.33.
Variant type: single nucleotide variant.
Coding change: c.3721G>T on transcript NM_006231.4 (MANE Select); coding-DNA position 3721, G replaced by T.
Protein change: p.Glu1241Ter; replaces glutamic acid 1241 with a stop codon.
Molecular consequence: nonsense.
Genome position (GRCh38, 1-based): chr12:132,649,751, C>A on the plus strand (G>T on the coding strand, the complement: POLE is on the minus strand). VCF-style: chr12-132649751-C-A. GRCh37 (hg19) VCF-style: chr12-133226337-C-A.
Other names: short protein forms E1241*.
Identifiers: ClinVar variation 484478 (VCV000484478.5), dbSNP rs779261309, ClinGen allele CA6893132.

ClinVar aggregate classification (germline): Uncertain significance (1 of 4 stars; one submission).

Conditions:
Hereditary cancer-predisposing syndrome. Also called: Neoplastic Syndromes, Hereditary; Tumor predisposition; Hereditary Cancer Syndrome; Hereditary neoplastic syndrome. Identifiers: Orphanet 140162, MedGen C0027672, MeSH D009386, MONDO:0015356.

Allele frequency attached by ClinVar (database versions not stated): gnomAD 0.00001; gnomAD exomes 0.00001 and 0.00002; TOPMed 0.00001; ExAC 0.00002.
gnomAD v4.1: 14 of 1,614,070 alleles (0.00087%); highest among the groups gnomAD compares: African/African-American, 0.0053%; no homozygotes.

Submission:

Ambry Genetics
Classification: Uncertain significance for Hereditary cancer-predisposing syndrome. Last evaluated: 2017-12-26. Review status: criteria provided, single submitter. Criteria: Ambry Variant Classification Scheme 2023. Collection method: clinical testing. Allele origin: germline.
Comment: The p.E1241* variant (also known as c.3721G>T), located in coding exon 30 of the POLE gene, results from a G to T substitution at nucleotide position 3721. This changes the amino acid from a glutamic acid to a stop codon within coding exon 30. This alteration is expected to result in loss of function by premature protein truncation or nonsense-mediated mRNA decay. However, loss of function of POLE has not been clearly established as a mechanism of disease. Since supporting evidence is limited at this time, the clinical significance of this alteration remains unclear.